The following is an entry in ClinVar:

ClinVar aggregate classification (germline): Uncertain significance (1 of 4 stars; one submission).

gnomAD v4.1: 1 of 1,612,894 alleles (0.000062%); highest among the groups gnomAD compares: Non-Finnish European, 0.000085%; no homozygotes.

Submission:

Women's Health and Genetics/Laboratory Corporation of America, LabCorp
Classification: Uncertain significance. Last evaluated: 2025-03-10. Review status: criteria provided, single submitter. Criteria: LabCorp Variant Classification Summary - May 2015. Collection method: clinical testing. Allele origin: germline.
Comment: Variant summary: F7 c.985T>C (p.Ser329Pro) results in a non-conservative amino acid change in the encoded protein sequence. Five of five in-silico tools predict a damaging effect of the variant on protein function. The variant was absent in 249850 control chromosomes. c.985T>C has been reported in the literature in individuals affected with Congenital factor VII deficiency (e.g. Jin_2012, Liu_2020, Halimeh_2023). These data indicate that the variant may be associated with disease. To our knowledge, no experimental evidence demonstrating an impact on protein function has been reported. The following publications have been ascertained in the context of this evaluation (PMID: 38202056, 22875495, 32472540). No submitters have cited clinical-significance assessments for this variant to ClinVar. Based on the evidence outlined above, the variant was classified as VUS-possibly pathogenic.

Literature cited by the submitters: PubMed 38202056; PubMed 22875495; PubMed 32472540.

NM_019616.4(F7):c.919T>C (p.Ser307Pro)

Gene: F7 (coagulation factor VII; plus strand). Cytogenetic location: 13q34.
Variant type: single nucleotide variant.
Coding change: c.919T>C on transcript NM_019616.4 (MANE Select); coding-DNA position 919, T replaced by C.
Protein change: p.Ser307Pro; replaces serine 307 with proline.
Molecular consequence: missense variant. On other transcripts: non-coding transcript variant (1).
Genome position (GRCh38, 1-based): chr13:113,118,592, T>C. VCF-style: chr13-113118592-T-C. GRCh37 (hg19) VCF-style: chr13-113772906-T-C.
Other names: c.985T>C, p.Ser329Pro (NM_000131.5); c.733T>C, p.Ser245Pro (NM_001267554.2); short protein forms S245P, S307P, S329P.
Identifiers: ClinVar variation 3895751 (VCV003895751.1).
Genomic context (GRCh38, chr13:113,118,592, plus strand): 5'-CACCAGCCCGTGGTCCTCACTGACCATGTGGTGCCCCTCTGCCTGCCCGAACGGACGTTC[T>C]CTGAGAGGACGCTGGCCTTCGTGCGCTTCTCATTGGTCAGCGGCTGGGGCCAGCTGCTGG-3'
Protein context (NP_062562.1, residues 297-317): VPLCLPERTF[Ser307Pro]ERTLAFVRFS